The following is an entry in ClinVar:

ClinVar aggregate classification (germline): Uncertain significance (1 of 4 stars; one submission).

Allele frequency attached by ClinVar (database versions not stated): TOPMed below 0.00001.

Submission:

Women's Health and Genetics/Laboratory Corporation of America, LabCorp
Classification: Uncertain significance. Last evaluated: 2023-05-19. Review status: criteria provided, single submitter. Criteria: LabCorp Variant Classification Summary - May 2015. Collection method: clinical testing. Allele origin: germline.
Comment: Variant summary: FMR1 c.1109G>A (p.Ser370Asn) results in a conservative amino acid change located in the K Homology domain (IPR004087) of the encoded protein sequence. Four of five in-silico tools predict a benign effect of the variant on protein function. The variant was absent in 183062 control chromosomes (gnomAD). The available data on variant occurrences in the general population are insufficient to allow any conclusion about variant significance. To our knowledge, no occurrence of c.1109G>A in individuals affected with Fragile X Syndrome and no experimental evidence demonstrating its impact on protein function have been reported. No clinical diagnostic laboratories have submitted clinical-significance assessments for this variant to ClinVar after 2014. Based on the evidence outlined above, the variant was classified as uncertain significance.

NM_002024.6(FMR1):c.1109G>A (p.Ser370Asn)

Gene: FMR1 (fragile X messenger ribonucleoprotein 1; plus strand). Cytogenetic location: Xq27.3.
Variant type: single nucleotide variant.
Coding change: c.1109G>A on transcript NM_002024.6 (MANE Select); coding-DNA position 1109, G replaced by A.
Protein change: p.Ser370Asn; replaces serine 370 with asparagine.
Molecular consequence: missense variant. On other transcripts: non-coding transcript variant (2).
Genome position (GRCh38, 1-based): chrX:147,937,584, G>A. VCF-style: chrX-147937584-G-A. GRCh37 (hg19) VCF-style: chrX-147019103-G-A.
Other names: c.1109G>A, p.Ser370Asn (NM_001185075.2, NM_001185076.2, NM_001185081.2 and 1 more transcripts); short protein forms S370N.
Identifiers: ClinVar variation 2506275 (VCV002506275.1), dbSNP rs2043834711, ClinGen allele CA414442588.